The following is an entry in ClinVar:

ClinVar aggregate classification (germline): Benign/Likely benign. Review status: criteria provided, multiple submitters, no conflicts (2 of 4 stars). 3 submissions from 3 submitters: Benign (1); Likely benign (1). 1 of the submissions does not count toward it. Last evaluated 2026-08-19.

Conditions:
Hypercholesterolemia, autosomal dominant, type B (FHCL2). Also called: Familial Hypercholesterolemia Type B; HYPERCHOLESTEROLEMIA, FAMILIAL, DUE TO LIGAND-DEFECTIVE APOLIPOPROTEIN B; Familial hypercholesterolemia 2; APOB-Related Familial Hypercholesterolemia, Autosomal Dominant; APOLIPOPROTEIN B-100, FAMILIAL DEFECTIVE; APOLIPOPROTEIN B-100, FAMILIAL LIGAND-DEFECTIVE. Identifiers: MedGen C1704417, MONDO:0007751, OMIM 144010.
Familial hypobetalipoproteinemia 1. Also called: Hypobetalipoproteinemia, normotriglyceridemic; Acanthocytosis with hypobetalipoproteinemia; APOB-Related Familial Hypobetalipoproteinemia. Identifiers: MedGen C4551990, MONDO:0014252, OMIM 615558.
APOB-related disorder. Also called: APOB-related condition; APOB-related disorders.
Cardiovascular phenotype. Identifiers: MedGen CN230736.

Allele frequency attached by ClinVar (database versions not stated): gnomAD 0.00021 and 0.00022; TOPMed 0.00027; ESP Exome Variant Server 0.00046; 1000 Genomes Project 30x 0.00078; 1000 Genomes Project 0.00100.
gnomAD v4.1: 64 of 1,614,074 alleles (0.004%); highest among the groups gnomAD compares: African/African-American, 0.076%; no homozygotes.

Submissions (3):

Ambry Genetics
Classification: Benign for Cardiovascular phenotype. Last evaluated: 2026-08-19. Review status: criteria provided, single submitter. Criteria: Ambry Variant Classification Scheme 2023. Collection method: clinical testing. Allele origin: germline.

Labcorp Genetics (formerly Invitae), Labcorp
Classification: Likely benign for Familial hypobetalipoproteinemia 1; Hypercholesterolemia, autosomal dominant, type B. Last evaluated: 2025-09-15. Review status: criteria provided, single submitter. Criteria: Invitae Variant Classification Sherloc (09022015). Collection method: clinical testing. Allele origin: germline.

PreventionGenetics, part of Exact Sciences
Classification: Likely benign for APOB-related condition. Last evaluated: 2023-07-30. Review status: no assertion criteria provided. Collection method: clinical testing. Allele origin: germline. Not counted in ClinVar's aggregate classification.
Comment: This variant is classified as likely benign based on ACMG/AMP sequence variant interpretation guidelines (Richards et al. 2015 PMID: 25741868, with internal and published modifications).

NM_000384.3(APOB):c.10476T>A (p.Ile3492=)

Gene: APOB (apolipoprotein B; minus strand). Cytogenetic location: 2p24.1.
Variant type: single nucleotide variant.
Coding change: c.10476T>A on transcript NM_000384.3 (MANE Select); coding-DNA position 10476, T replaced by A.
Protein change: p.Ile3492=; no amino-acid change (isoleucine 3492 retained).
Molecular consequence: synonymous variant.
Genome position (GRCh38, 1-based): chr2:21,006,392, A>T on the plus strand (T>A on the coding strand, the complement: APOB is on the minus strand). VCF-style: chr2-21006392-A-T. GRCh37 (hg19) VCF-style: chr2-21229264-A-T.
Identifiers: ClinVar variation 630257 (VCV000630257.20), dbSNP rs139929439, ClinGen allele CA043620.